The following is an entry in ClinVar:

ClinVar aggregate classification (germline): Likely pathogenic (1 of 4 stars; one submission).

Conditions:
Peroxisome biogenesis disorder 7A (Zellweger). Also called: Peroxisome biogenesis disorder 7A. Identifiers: Orphanet 912, MedGen C3888385, MONDO:0013938, OMIM 614872.

Submission:

Lifecell International Pvt. Ltd
Classification: Likely pathogenic for Peroxisome biogenesis disorder 7A (Zellweger). Review status: criteria provided, single submitter. Criteria: ACMG Guidelines, 2015. Collection method: clinical testing. Allele origin: germline. Inheritance: Autosomal recessive inheritance. Affected: yes. Observed: 1 compound heterozygote.
Comment: A Heterozygous indel variant c.379_380delinsGA in Exon 4 of the PEX26 gene that results in the amino acid substitution p.Leu127Glu was identified. The observed variant has a minimum allele frequency of 0% in gnomAD exomes and genomes, respectively. The severity of the impact of this variant on the protein is high, based on the effect of the protein and REVEL score. Rare Exome Variant Ensemble Learner (REVEL) is an ensembl method for predicting the pathogenicity of missense variants based on a combination of scores from 13 individual tools: MutPred, FATHMM v2.3, VEST 3.0, PolyPhen-2, SIFT, PROVEAN, MutationAssessor, MutationTaster, LRT, GERP++, SiPhy, phyloP, and phastCons. The REVEL score for an individual missense variant can range from 0 to 1, with higher scores reflecting greater likelihood that the variant is disease- causing. Based on the above evidence this variant has been classified as Likely Pathogenic according to the ACMG guidelines.

NM_001127649.3(PEX26):c.379_380delinsGA (p.Leu127Glu)

Gene: PEX26 (peroxisomal biogenesis factor 26; plus strand). Cytogenetic location: 22q11.21.
Variant type: Indel.
Coding change: c.379_380delinsGA on transcript NM_001127649.3 (MANE Select); coding-DNA positions 379 to 380, TT replaced by GA.
Protein change: p.Leu127Glu; replaces leucine 127 with glutamic acid.
Molecular consequence: missense variant.
Genome position (GRCh38, 1-based): chr22:18,083,444-18,083,445, TT replaced by GA. VCF-style: chr22-18083444-TT-GA. GRCh37 (hg19) VCF-style: chr22-18566210-TT-GA.
Other names: c.379_380delinsGA, p.Leu127Glu (NM_001199319.2, NM_017929.6); short protein forms L127E.
Identifiers: ClinVar variation 2502341 (VCV002502341.1), dbSNP rs2517670734, ClinGen allele CA2580615242.